The following is an entry in ClinVar:

NM_000059.4(BRCA2):c.7601C>G (p.Ala2534Gly)

Gene: BRCA2 (BRCA2 DNA repair associated; plus strand). Cytogenetic location: 13q13.1.
Variant type: single nucleotide variant.
Coding change: c.7601C>G on transcript NM_000059.4 (MANE Select); coding-DNA position 7601, C replaced by G.
Protein change: p.Ala2534Gly; replaces alanine 2534 with glycine.
Molecular consequence: missense variant.
Genome position (GRCh38, 1-based): chr13:32,356,593, C>G. VCF-style: chr13-32356593-C-G. GRCh37 (hg19) VCF-style: chr13-32930730-C-G.
Other names: short protein forms A2534G.
Identifiers: ClinVar variation 495501 (VCV000495501.1), dbSNP rs74047012, ClinGen allele CA387743956.

ClinVar aggregate classification (germline): Uncertain significance (1 of 4 stars; one submission).

Submission:

Women's Health and Genetics/Laboratory Corporation of America, LabCorp
Classification: Uncertain significance. Last evaluated: 2017-01-19. Review status: criteria provided, single submitter. Criteria: LabCorp Variant Classification Summary - May 2015. Collection method: clinical testing. Allele origin: germline.
Comment: Variant summary: The BRCA2 c.7601C>G (p.Ala2534Gly) variant involves the alteration of a non-conserved nucleotide. 3/5 in silico tools predict a benign outcome for this variant. This variant is absent in 120468 control chromosomes. The variant of interest has not, to our knowledge, been reported in affected individuals via publications and/or reputable databases/clinical diagnostic laboratories; nor evaluated for functional impact by in vivo/vitro studies. Because of the absence of clinical information and the lack of functional studies, the variant is classified as a variant of uncertain significance (VUS) until additional information becomes available.